The following is an entry in ClinVar:

ClinVar aggregate classification (germline): Pathogenic. Review status: criteria provided, multiple submitters, no conflicts (2 of 4 stars). 16 submissions from 15 submitters: Pathogenic (11). 5 of the submissions do not count toward it. Last evaluated 2026-09-25.

Conditions:
Tuberous sclerosis 2 (TSC2). Identifiers: Orphanet 805, MedGen C1860707, MONDO:0013199, OMIM 613254.
Isolated focal cortical dysplasia type II (FCORD2). Also called: CORTICAL DYSPLASIA OF TAYLOR; Focal cortical dysplasia type II. Identifiers: Orphanet 268994, MedGen C1846385, MONDO:0011818, OMIM 607341, HP:0032051.
Lymphangiomyomatosis (LAM). Also called: Lymphangioleiomyomatosis, somatic; Lymphangioleiomyomatosis. Identifiers: Orphanet 538, MedGen C0751674, MONDO:0011705, OMIM 606690.
TSC2-related disorder. Also called: TSC2-Related Disorders; TSC2-related condition.
Hereditary cancer-predisposing syndrome. Also called: Neoplastic Syndromes, Hereditary; Tumor predisposition; Hereditary Cancer Syndrome; Hereditary neoplastic syndrome. Identifiers: Orphanet 140162, MedGen C0027672, MeSH D009386, MONDO:0015356.
Tuberous sclerosis syndrome (TSC). Also called: Tuberous sclerosis; Tuberous Sclerosis Complex. Identifiers: Orphanet 805, MedGen C0041341, MONDO:0001734.

Submissions (16):

PreventionGenetics, part of Exact Sciences
Classification: Pathogenic for TSC2-related condition. Last evaluated: 2026-09-25. Review status: criteria provided, single submitter. Criteria: ACMG Guidelines, 2015. Collection method: clinical testing. Allele origin: germline.
Comment: The TSC2 c.1513C>T variant is predicted to result in premature protein termination (p.Arg505*). This variant has been reported in multiple individuals with tuberous sclerosis complex (Milon et al. 2024. PubMed ID: 38806662; Yang et al. 2022. PubMed ID: 35429229; Wilson et al. 1996. PubMed ID: 8824881; Jones et al. 1999. PubMed ID: 10205261). This variant has not been reported in a large population database, indicating this variant is rare. This variant is interpreted as pathogenic in ClinVar (Variation ID: 12396). Nonsense variants in TSC2 are expected to be pathogenic. This variant is interpreted as pathogenic.

Labcorp Genetics (formerly Invitae), Labcorp
Classification: Pathogenic for Tuberous sclerosis 2. Last evaluated: 2024-10-24. Review status: criteria provided, single submitter. Criteria: Invitae Variant Classification Sherloc (09022015). Collection method: clinical testing. Allele origin: germline.
Comment: This sequence change creates a premature translational stop signal (p.Arg505*) in the TSC2 gene. It is expected to result in an absent or disrupted protein product. Loss-of-function variants in TSC2 are known to be pathogenic (PMID: 10205261, 17304050). This variant is not present in population databases (gnomAD no frequency). This premature translational stop signal has been observed in individual(s) with tuberous sclerosis complex (PMID: 8824881, 9463313, 10205261, 11112665, 16114042, 16981987). ClinVar contains an entry for this variant (Variation ID: 12396). For these reasons, this variant has been classified as Pathogenic.

Fulgent Genetics
Classification: Pathogenic for Lymphangiomyomatosis; Isolated focal cortical dysplasia type II; Tuberous sclerosis 2. Last evaluated: 2024-02-14. Review status: criteria provided, single submitter. Criteria: ACMG Guidelines, 2015. Collection method: clinical testing. Allele origin: germline.

Athena Diagnostics
Classification: Pathogenic. Last evaluated: 2023-10-04. Review status: criteria provided, single submitter. Criteria: Athena Diagnostics Criteria. Collection method: clinical testing. Allele origin: unknown.
Comment: This variant is expected to result in the loss of a functional protein. This variant has been identified in multiple unrelated individuals with clinical features associated with this gene. This variant has not been reported in large, multi-ethnic general populations.

CeGaT Center for Human Genetics Tuebingen
Classification: Pathogenic. Last evaluated: 2023-10-01. Review status: criteria provided, single submitter. Criteria: CeGaT Center For Human Genetics Tuebingen Variant Classification Criteria Version 2. Collection method: clinical testing. Allele origin: germline. Affected: yes. Observed: 1 variant allele.
Comment: TSC2: PVS1, PM2, PS4:Moderate, PP4

Genome-Nilou Lab
Classification: Pathogenic for Tuberous sclerosis 2. Last evaluated: 2021-11-07. Review status: criteria provided, single submitter. Criteria: ACMG Guidelines, 2015. Collection method: clinical testing. Allele origin: germline. Affected: no.

Baylor Genetics
Classification: Pathogenic for Tuberous sclerosis 2. Last evaluated: 2020-04-10. Review status: criteria provided, single submitter. Criteria: ACMG Guidelines, 2015. Collection method: clinical testing. Allele origin: unknown. Affected: yes. Study: CSER-TexasKidsCanSeq.
Comment: This variant was determined to be pathogenic according to ACMG Guidelines, 2015 [PMID:25741868]. This variant has been previously reported as disease-causing [PMID 8824881, 28968464, 25525159]

Mendelics
Classification: Pathogenic for Tuberous sclerosis 2. Last evaluated: 2019-05-28. Review status: criteria provided, single submitter. Criteria: Mendelics Assertion Criteria 2017. Collection method: clinical testing. Allele origin: unknown.

Blueprint Genetics
Classification: Pathogenic for TSC2-related disorders. Last evaluated: 2019-02-12. Review status: criteria provided, single submitter. Criteria: ACMG Guidelines, 2015. Collection method: clinical testing. Allele origin: germline. Affected: yes. Observed: 1 variant allele.

Ambry Genetics
Classification: Pathogenic for Hereditary cancer-predisposing syndrome. Last evaluated: 2017-01-23. Review status: criteria provided, single submitter. Criteria: Ambry Variant Classification Scheme 2023. Collection method: clinical testing. Allele origin: germline.
Comment: The p.R505* pathogenic mutation (also known as c.1513C>T), located in coding exon 14 of the TSC2 gene, results from a C to T substitution at nucleotide position 1513. This changes the amino acid from an arginine to a stop codon within coding exon 14. This alteration has been reported in multiple individuals meeting diagnostic criteria for tuberous sclerosis complex (TSC) (Rendtorff ND et al. Hum. Mutat., 2005 Oct;26:374-83; Wilson PJ et al. Hum. Mol. Genet., 1996 Feb;5:249-56; Hung CC et al. BMC Med. Genet., 2006 Sep;7:72). This alteration is expected to result in loss of function by premature protein truncation or nonsense-mediated mRNA decay. As such, this alteration is interpreted as a disease-causing mutation.

Center for Genomics, Ann and Robert H. Lurie Children's Hospital of Chicago
Classification: Pathogenic for Lymphangiomyomatosis; Isolated focal cortical dysplasia type II; Tuberous sclerosis 2. Review status: criteria provided, single submitter. Criteria: ACMG Guidelines, 2015. Collection method: clinical testing. Allele origin: germline.
Comment: TSC2 NM_000548 exon 15 p.Arg505* (c.1513C>T): This variant has been reported in the literature in at least 10 individuals with Tuberous sclerosis (Wilson 1996 PMID:8824881, Jones 1999 PMID:10205261, Mayer 1999 PMID:10533066, Dabora 2001 PMID:11112665, Rendtorff 2005 PMID:16114042, Hung 2006 PMID:16981987, Au 2007 PMID:17304050). This variant is not present in large control databases. Evolutionary conservation and computational predictive tools for this variant are limited or unavailable. This variant creates a premature stop at this codon which results in an absent or abnormal protein. Loss of function variants are a known mechanism of disease for this gene (Rosset 2017 PMID:28222202). In summary, this variant is classified as pathogenic.

deCODE genetics, Amgen
Classification: Likely pathogenic for Tuberous sclerosis 2. Last evaluated: 2023-07-21. Review status: no assertion criteria provided. Collection method: research. Allele origin: germline. Affected: yes. Observed: 1 variant allele. Not counted in ClinVar's aggregate classification.
Comment: The variant NM_000548.5:c.1513C>T (chr16:2064341) in TSC2 was detected in 1 heterozygote out of 58K WGS Icelanders (MAF= 0,001%). This variant has been reported in ClinVar previously as pathogenic. Based on ACMG criteria (PVS1, PM2) this variant classifies as likely pathogenic.

Division of Genomic Medicine, Department of Advanced Medicine, Medical Research Institute, Kanazawa Medical University
Classification: Pathogenic for Tuberous sclerosis 2. Last evaluated: 2020-06-11. Review status: no assertion criteria provided. Collection method: clinical testing. Allele origin: germline. Affected: yes. Observed: 2 variant alleles. Not counted in ClinVar's aggregate classification.

OMIM
Classification: Pathogenic for TUBEROUS SCLEROSIS 2. Last evaluated: 1999-12-01. Review status: no assertion criteria provided. Collection method: literature only. Allele origin: germline. Not counted in ClinVar's aggregate classification.

Tuberous sclerosis database (TSC2)
No classification provided. Condition: TSC. Review status: no classification provided. Criteria: Tuberous Sclerosis Database Assertion Criteria 2015. Collection method: curation. Allele origin: germline. Affected: yes. Not counted in ClinVar's aggregate classification.

Tuberous sclerosis database (TSC2)
No classification provided. Condition: LAM. Review status: no classification provided. Criteria: Tuberous Sclerosis Database Assertion Criteria 2015. Collection method: curation. Allele origin: germline. Affected: yes. Not counted in ClinVar's aggregate classification.

Literature cited by the submitters: PubMed 10205261 (cited by Labcorp Genetics (formerly Invitae), Labcorp and Athena Diagnostics); PubMed 17304050 (cited by Labcorp Genetics (formerly Invitae), Labcorp and Athena Diagnostics); PubMed 8824881 (cited by 5 submitters); PubMed 9463313 (cited by Labcorp Genetics (formerly Invitae), Labcorp and Athena Diagnostics); PubMed 11112665 (cited by Labcorp Genetics (formerly Invitae), Labcorp and Athena Diagnostics); PubMed 16114042 (cited by 3 submitters); PubMed 16981987 (cited by 3 submitters); PubMed 10533066 (cited by Athena Diagnostics); PubMed 10577937 (cited by Athena Diagnostics and OMIM); PubMed 23504366 (cited by Athena Diagnostics); PubMed 24271014 (cited by Athena Diagnostics); PubMed 28968464 (cited by Baylor Genetics); PubMed 25525159 (cited by Baylor Genetics).

NM_000548.5(TSC2):c.1513C>T (p.Arg505Ter)

Gene: TSC2 (TSC complex subunit 2; plus strand). Cytogenetic location: 16p13.3.
Variant type: single nucleotide variant.
Coding change: c.1513C>T on transcript NM_000548.5 (MANE Select); coding-DNA position 1513, C replaced by T.
Protein change: p.Arg505Ter; replaces arginine 505 with a stop codon.
Molecular consequence: nonsense.
Genome position (GRCh38, 1-based): chr16:2,064,341, C>T. VCF-style: chr16-2064341-C-T. GRCh37 (hg19) VCF-style: chr16-2114342-C-T.
Other names: c.1513C>T, p.Arg505Ter (NM_001077183.3, NM_001114382.3, NM_001363528.2 and 3 more transcripts); c.1402C>T, p.Arg468Ter (NM_001318827.2); c.1366C>T, p.Arg456Ter (NM_001318829.2); c.913C>T, p.Arg305Ter (NM_001318831.2); c.1546C>T, p.Arg516Ter (NM_001318832.2); short protein forms R505*, R305*, R468*, R516*, R456*.
Identifiers: ClinVar variation 12396 (VCV000012396.66), dbSNP rs45517179, ClinGen allele CA015026.
Genomic context (GRCh38, chr16:2,064,341, plus strand): 5'-ATTAACTCAGTGGTCATCTCGCAGCTCTCCCACATCCCCGAGGATAAAGACCACCAGGTC[C>T]GAAAGCTGGCCACCCAGTTGCTGGTGGACCTGGCAGAGGGCTGCCACACACACCACTTCA-3'